The following is an entry in ClinVar:

NM_198578.4(LRRK2):c.2217G>T (p.Lys739Asn)

Gene: LRRK2 (leucine rich repeat kinase 2; plus strand). Cytogenetic location: 12q12.
Variant type: single nucleotide variant.
Coding change: c.2217G>T on transcript NM_198578.4 (MANE Select); coding-DNA position 2217, G replaced by T.
Protein change: p.Lys739Asn; replaces lysine 739 with asparagine.
Molecular consequence: missense variant.
Genome position (GRCh38, 1-based): chr12:40,278,237, G>T. VCF-style: chr12-40278237-G-T. GRCh37 (hg19) VCF-style: chr12-40672039-G-T.
Other names: short protein forms K739N.
Identifiers: ClinVar variation 3686810 (VCV003686810.2).
Genomic context (GRCh38, chr12:40,278,237, plus strand): 5'-GAATAACAGCATCATGGTTGAATGCTTGCTTCTATTGGGAGCAGATGCCAATCAAGCAAA[G>T]GAGGGATCTTCTTTAATTTGTCAGGTAAATATTCAAGGCCTCACTTTTGTCTTTGCTCAG-3'
Protein context (NP_940980.4, residues 729-749): LLLGADANQA[Lys739Asn]EGSSLICQVC

ClinVar aggregate classification (germline): Uncertain significance (1 of 4 stars; one submission).

Conditions:
Autosomal dominant Parkinson disease 8. Also called: LRRK2-Related Parkinson Disease; Parkinson disease 8; Parkinson disease 8, susceptibility to. Identifiers: Orphanet 411602, MedGen C1846862, MONDO:0011764, OMIM 607060.

Submission:

Labcorp Genetics (formerly Invitae), Labcorp
Classification: Uncertain significance for Autosomal dominant Parkinson disease 8. Last evaluated: 2024-02-09. Review status: criteria provided, single submitter. Criteria: Invitae Variant Classification Sherloc (09022015). Collection method: clinical testing. Allele origin: germline.
Comment: This sequence change replaces lysine, which is basic and polar, with asparagine, which is neutral and polar, at codon 739 of the LRRK2 protein (p.Lys739Asn). This variant is not present in population databases (gnomAD no frequency). This variant has not been reported in the literature in individuals affected with LRRK2-related conditions. Advanced modeling of protein sequence and biophysical properties (such as structural, functional, and spatial information, amino acid conservation, physicochemical variation, residue mobility, and thermodynamic stability) performed at Invitae indicates that this missense variant is not expected to disrupt LRRK2 protein function with a negative predictive value of 80%. In summary, the available evidence is currently insufficient to determine the role of this variant in disease. Therefore, it has been classified as a Variant of Uncertain Significance.